The following is an entry in ClinVar:

NM_001267550.2(TTN):c.26201-11dup

Gene: TTN (titin; minus strand). Cytogenetic location: 2q31.2.
Variant type: Duplication.
Coding change: c.26201-11dup on transcript NM_001267550.2 (MANE Select); 11 bases into the intron before coding-DNA position 26201, one base duplicated (T; older notation c.26201-11dupT).
Molecular consequence: intron variant.
Genome position (GRCh38, 1-based): chr2:178,714,580, A duplicated on the plus strand (T on the coding strand, the reverse complement: TTN is on the minus strand); the first of 5 consecutive A bases (chr2:178,714,580-178,714,584); duplicating any one gives the same sequence. VCF-style (leftmost placement, unchanged base first): chr2-178714579-G-GA. GRCh37 (hg19) VCF-style: chr2-179579306-G-GA.
Other names: c.26201-7dupT (NM_001267550.2); c.13282+23498dup (NM_003319.4); c.13858+23498dup (NM_133437.4); c.13657+23498dup (NM_133432.3); c.22469-11dup (NM_133378.4); c.25250-11dup (NM_001256850.1); c.22469-7dupT (NM_133378.4); c.26201-7dup (NM_001267550.2).
Identifiers: ClinVar variation 166146 (VCV000166146.24), dbSNP rs727503644, ClinGen allele CA178952.

ClinVar aggregate classification (germline): Conflicting classifications of pathogenicity. Review status: criteria provided, conflicting classifications (1 of 4 stars). 5 submissions from 5 submitters: Uncertain significance (1); Likely benign (4). Last evaluated 2026-01-28.

Conditions:
TTN-related disorder. Also called: TTN-related condition; TTN-related disease; TTN-related disorders.
Dilated cardiomyopathy 1G (CMD1G). Identifiers: Orphanet 154, MedGen C1858763, MONDO:0011400, OMIM 604145.
Autosomal recessive limb-girdle muscular dystrophy type 2J (LGMDR10). Also called: Limb-girdle muscular dystrophy, type 2J; MUSCULAR DYSTROPHY, LIMB-GIRDLE, AUTOSOMAL RECESSIVE 10. Identifiers: Orphanet 140922, MedGen C1837342, MONDO:0012127, OMIM 608807.

Submissions (5):

Labcorp Genetics (formerly Invitae), Labcorp
Classification: Likely benign for Dilated cardiomyopathy 1G; Autosomal recessive limb-girdle muscular dystrophy type 2J. Last evaluated: 2026-01-28. Review status: criteria provided, single submitter. Criteria: Invitae Variant Classification Sherloc (09022015). Collection method: clinical testing. Allele origin: germline.

PreventionGenetics, part of Exact Sciences
Classification: Likely benign for TTN-related condition. Last evaluated: 2026-01-21. Review status: criteria provided, single submitter. Criteria: ACMG Guidelines, 2015. Collection method: clinical testing. Allele origin: germline.
Comment: This variant is classified as likely benign based on ACMG/AMP sequence variant interpretation guidelines (Richards et al. 2015 PMID: 25741868, with internal and published modifications).

Blueprint Genetics
Classification: Likely benign. Last evaluated: 2024-10-14. Review status: criteria provided, single submitter. Criteria: ACMG Guidelines, 2015. Collection method: clinical testing. Allele origin: germline.

GeneDx
Classification: Likely benign. Last evaluated: 2023-12-27. Review status: criteria provided, single submitter. Criteria: GeneDx Variant Classification Process June 2021. Collection method: clinical testing. Allele origin: germline. Affected: yes.
Comment: See Variant Classification Assertion Criteria.

Laboratory for Molecular Medicine, Mass General Brigham Personalized Medicine
Classification: Uncertain significance. Last evaluated: 2014-05-01. Review status: criteria provided, single submitter. Criteria: LMM Criteria. Collection method: clinical testing. Allele origin: germline. Observed: 1 variant allele.
Comment: The 22469-7_22469-6insT variant in TTN has not been previously reported in indiv iduals with cardiomyopathy. Data from large population studies is insufficient t o assess the frequency of this variant. This variant is located in the 3' splice region. Computational tools do not suggest an impact to splicing, though this i nformation is not predictive enough to rule out pathogenicity. In summary, the c linical significance of this variant is uncertain.